The following is an entry in ClinVar:

NM_000642.3(AGL):c.1918G>T (p.Ala640Ser)

Gene: AGL (amylo-alpha-1,6-glucosidase and 4-alpha-glucanotransferase; plus strand). Cytogenetic location: 1p21.2.
Variant type: single nucleotide variant.
Coding change: c.1918G>T on transcript NM_000642.3 (MANE Select); coding-DNA position 1918, G replaced by T.
Protein change: p.Ala640Ser; replaces alanine 640 with serine.
Molecular consequence: missense variant.
Genome position (GRCh38, 1-based): chr1:99,881,094, G>T. VCF-style: chr1-99881094-G-T. GRCh37 (hg19) VCF-style: chr1-100346650-G-T.
Other names: c.1918G>T, p.Ala640Ser (NM_000028.3, NM_000643.3, NM_000644.3 and 2 more transcripts); c.1870G>T, p.Ala624Ser (NM_000646.3); c.1717G>T, p.Ala573Ser (NM_001425327.1); c.1714G>T, p.Ala572Ser (NM_001425328.1, NM_001425329.1); c.1540G>T, p.Ala514Ser (NM_001425332.1); short protein forms A624S, A640S, A514S, A572S, A573S.
Identifiers: ClinVar variation 2155939 (VCV002155939.3), dbSNP rs1029944379, ClinGen allele CA341317893.

ClinVar aggregate classification (germline): Uncertain significance. Review status: criteria provided, multiple submitters, no conflicts (2 of 4 stars). 2 submissions from 2 submitters: Uncertain significance (2). Last evaluated 2023-06-21.

Conditions:
Glycogen storage disease type III (GSD3). Also called: FORBES DISEASE; Cori disease. Identifiers: Orphanet 366, MedGen C0017922, MONDO:0009291, OMIM 232400.
Inborn genetic diseases. Identifiers: MedGen C0950123, MeSH D030342.

Allele frequency attached by ClinVar (database versions not stated): gnomAD exomes 0.00001.
gnomAD v4.1: 15 of 1,613,840 alleles (0.00093%); highest among the groups gnomAD compares: Non-Finnish European, 0.0013%; no homozygotes.

Submissions (2):

Ambry Genetics
Classification: Uncertain significance for Inborn genetic diseases. Last evaluated: 2023-06-21. Review status: criteria provided, single submitter. Criteria: Ambry Variant Classification Scheme 2023. Collection method: clinical testing. Allele origin: germline.

Labcorp Genetics (formerly Invitae), Labcorp
Classification: Uncertain significance for Glycogen storage disease type III. Last evaluated: 2022-03-10. Review status: criteria provided, single submitter. Criteria: Invitae Variant Classification Sherloc (09022015). Collection method: clinical testing. Allele origin: germline.
Comment: This sequence change replaces alanine, which is neutral and non-polar, with serine, which is neutral and polar, at codon 640 of the AGL protein (p.Ala640Ser). This variant is present in population databases (no rsID available, gnomAD 0.0009%). This variant has not been reported in the literature in individuals affected with AGL-related conditions. Algorithms developed to predict the effect of missense changes on protein structure and function (SIFT, PolyPhen-2, Align-GVGD) all suggest that this variant is likely to be tolerated. In summary, the available evidence is currently insufficient to determine the role of this variant in disease. Therefore, it has been classified as a Variant of Uncertain Significance.